The following is an entry in ClinVar:

ClinVar aggregate classification (germline): Uncertain significance (1 of 4 stars; one submission).

gnomAD v4.1: 3 of 1,614,032 alleles (0.00019%); highest among the groups gnomAD compares: Non-Finnish European, 0.00025%; no homozygotes.

Submission:

Labcorp Genetics (formerly Invitae), Labcorp
Classification: Uncertain significance. Last evaluated: 2023-11-24. Review status: criteria provided, single submitter. Criteria: Invitae Variant Classification Sherloc (09022015). Collection method: clinical testing. Allele origin: germline.
Comment: This sequence change replaces glycine, which is neutral and non-polar, with aspartic acid, which is acidic and polar, at codon 584 of the COL7A1 protein (p.Gly584Asp). This variant is not present in population databases (gnomAD no frequency). This variant has not been reported in the literature in individuals affected with COL7A1-related conditions. Advanced modeling of protein sequence and biophysical properties (such as structural, functional, and spatial information, amino acid conservation, physicochemical variation, residue mobility, and thermodynamic stability) performed at Invitae indicates that this missense variant is not expected to disrupt COL7A1 protein function with a negative predictive value of 95%. In summary, the available evidence is currently insufficient to determine the role of this variant in disease. Therefore, it has been classified as a Variant of Uncertain Significance.

NM_000094.4(COL7A1):c.1751G>A (p.Gly584Asp)

Gene: COL7A1 (collagen type VII alpha 1 chain; minus strand). Cytogenetic location: 3p21.31.
Variant type: single nucleotide variant.
Coding change: c.1751G>A on transcript NM_000094.4 (MANE Select); coding-DNA position 1751, G replaced by A.
Protein change: p.Gly584Asp; replaces glycine 584 with aspartic acid.
Molecular consequence: missense variant.
Genome position (GRCh38, 1-based): chr3:48,590,702, C>T on the plus strand (G>A on the coding strand, the complement: COL7A1 is on the minus strand). VCF-style: chr3-48590702-C-T. GRCh37 (hg19) VCF-style: chr3-48628135-C-T.
Other names: short protein forms G584D.
Identifiers: ClinVar variation 2780825 (VCV002780825.3), dbSNP rs555015100, ClinGen allele CA352729289.